The following is an entry in ClinVar:

NM_000276.4(OCRL):c.571G>C (p.Glu191Gln)

Gene: OCRL (OCRL inositol polyphosphate-5-phosphatase; plus strand). Cytogenetic location: Xq26.1.
Variant type: single nucleotide variant.
Coding change: c.571G>C on transcript NM_000276.4 (MANE Select); coding-DNA position 571, G replaced by C.
Protein change: p.Glu191Gln; replaces glutamic acid 191 with glutamine.
Molecular consequence: missense variant.
Genome position (GRCh38, 1-based): chrX:129,558,850, G>C. VCF-style: chrX-129558850-G-C. GRCh37 (hg19) VCF-style: chrX-128692827-G-C.
Other names: c.574G>C, p.Glu192Gln (NM_001318784.2); c.571G>C, p.Glu191Gln (NM_001587.4); short protein forms E191Q, E192Q.
Identifiers: ClinVar variation 2703381 (VCV002703381.3), dbSNP rs2521878526, ClinGen allele CA414551559.

ClinVar aggregate classification (germline): Uncertain significance (1 of 4 stars; one submission).

Conditions:
Lowe syndrome (OCRL). Also called: LOWE OCULOCEREBRORENAL SYNDROME; PHOSPHATIDYLINOSITOL 4,5-BISPHOSPHATE 5-PHOSPHATASE DEFICIENCY; Oculocerebrorenal Syndrome. Identifiers: Orphanet 534, MedGen C0028860, MONDO:0010645, OMIM 309000.

Submission:

Labcorp Genetics (formerly Invitae), Labcorp
Classification: Uncertain significance for Lowe syndrome. Last evaluated: 2023-12-15. Review status: criteria provided, single submitter. Criteria: Invitae Variant Classification Sherloc (09022015). Collection method: clinical testing. Allele origin: germline.
Comment: This sequence change replaces glutamic acid, which is acidic and polar, with glutamine, which is neutral and polar, at codon 191 of the OCRL protein (p.Glu191Gln). This variant is not present in population databases (gnomAD no frequency). This variant has not been reported in the literature in individuals affected with OCRL-related conditions. Advanced modeling of protein sequence and biophysical properties (such as structural, functional, and spatial information, amino acid conservation, physicochemical variation, residue mobility, and thermodynamic stability) performed at Invitae indicates that this missense variant is not expected to disrupt OCRL protein function with a negative predictive value of 95%. In summary, the available evidence is currently insufficient to determine the role of this variant in disease. Therefore, it has been classified as a Variant of Uncertain Significance.